The following is an entry in ClinVar:

NM_015158.5(KANK1):c.3776_3778del (p.Asp1259del)

Gene: KANK1 (KN motif and ankyrin repeat domains 1; plus strand). Cytogenetic location: 9p24.3.
Variant type: Deletion.
Coding change: c.3776_3778del on transcript NM_015158.5 (MANE Select); coding-DNA positions 3776 to 3778, 3 bases deleted (ATG; older notation c.3776_3778delATG).
Protein change: p.Asp1259del; deletes aspartic acid 1259.
Molecular consequence: inframe deletion. On other transcripts: non-coding transcript variant (1).
Genome position (GRCh38, 1-based): chr9:742,284-742,286, ATG deleted; deleting any 3 consecutive bases within chr9:742,282-742,286 gives the same sequence; the c. name uses the placement nearest the transcript's 3' end. VCF-style (leftmost placement, unchanged base first): chr9-742281-CTGA-C. GRCh37 (hg19) VCF-style: chr9-742281-CTGA-C.
Other names: c.3302_3304del, p.Asp1101del (NM_001354337.2, NM_001354341.2, NM_153186.6 and 2 more transcripts); c.3248_3250del, p.Asp1083del (NM_001354338.2, NM_001354340.2, NM_001354344.2); c.3062_3064del, p.Asp1021del (NM_001354339.2, NM_001354342.2, NM_001354343.2); c.3776_3778del, p.Asp1259del (NM_001256876.3, NM_001256877.3, NM_001354334.2); c.3536_3538del, p.Asp1179del (NM_001354331.2); c.3722_3724del, p.Asp1241del (NM_001354332.2); c.3008_3010del, p.Asp1003del (NM_001354336.2); short protein forms D1101del, D1179del, D1003del, D1083del, D1259del, D1021del, D1241del.
Identifiers: ClinVar variation 1963423 (VCV001963423.5), dbSNP rs2540777453, ClinGen allele CA2580080181.

ClinVar aggregate classification (germline): Uncertain significance (1 of 4 stars; one submission).

Submission:

Labcorp Genetics (formerly Invitae), Labcorp
Classification: Uncertain significance. Last evaluated: 2024-10-16. Review status: criteria provided, single submitter. Criteria: Invitae Variant Classification Sherloc (09022015). Collection method: clinical testing. Allele origin: germline.
Comment: This variant, c.3776_3778del, results in the deletion of 1 amino acid(s) of the KANK1 protein (p.Asp1259del), but otherwise preserves the integrity of the reading frame. This variant is not present in population databases (gnomAD no frequency). This variant has not been reported in the literature in individuals affected with KANK1-related conditions. ClinVar contains an entry for this variant (Variation ID: 1963423). Experimental studies and prediction algorithms are not available or were not evaluated, and the functional significance of this variant is currently unknown. In summary, the available evidence is currently insufficient to determine the role of this variant in disease. Therefore, it has been classified as a Variant of Uncertain Significance.